The following is an entry in ClinVar:

ClinVar aggregate classification (germline): Uncertain significance (1 of 4 stars; one submission).

Allele frequency attached by ClinVar (database versions not stated): ExAC 0.00001; gnomAD 0.00001; gnomAD exomes 0.00001; TOPMed 0.00001.
gnomAD v4.1: 7 of 1,613,842 alleles (0.00043%); highest among the groups gnomAD compares: African/African-American, 0.004%; no homozygotes.

Submission:

Labcorp Genetics (formerly Invitae), Labcorp
Classification: Uncertain significance. Last evaluated: 2022-07-26. Review status: criteria provided, single submitter. Criteria: Invitae Variant Classification Sherloc (09022015). Collection method: clinical testing. Allele origin: germline.
Comment: In summary, the available evidence is currently insufficient to determine the role of this variant in disease. Therefore, it has been classified as a Variant of Uncertain Significance. Algorithms developed to predict the effect of missense changes on protein structure and function output the following: SIFT: "Deleterious"; PolyPhen-2: "Benign"; Align-GVGD: "Class C15". The cysteine amino acid residue is found in multiple mammalian species, which suggests that this missense change does not adversely affect protein function. ClinVar contains an entry for this variant (Variation ID: 1496074). This variant has not been reported in the literature in individuals affected with FAT1-related conditions. This variant is present in population databases (rs747386344, gnomAD 0.007%). This sequence change replaces tyrosine, which is neutral and polar, with cysteine, which is neutral and slightly polar, at codon 2102 of the FAT1 protein (p.Tyr2102Cys).

NM_005245.4(FAT1):c.6305A>G (p.Tyr2102Cys)

Gene: FAT1 (FAT atypical cadherin 1; minus strand). Cytogenetic location: 4q35.2.
Variant type: single nucleotide variant.
Coding change: c.6305A>G on transcript NM_005245.4 (MANE Select); coding-DNA position 6305, A replaced by G.
Protein change: p.Tyr2102Cys; replaces tyrosine 2102 with cysteine.
Molecular consequence: missense variant.
Genome position (GRCh38, 1-based): chr4:186,620,281, T>C on the plus strand (A>G on the coding strand, the complement: FAT1 is on the minus strand). VCF-style: chr4-186620281-T-C. GRCh37 (hg19) VCF-style: chr4-187541435-T-C.
Other names: short protein forms Y2102C.
Identifiers: ClinVar variation 1496074 (VCV001496074.5), dbSNP rs747386344, ClinGen allele CA3166275.